The following is an entry in ClinVar:

ClinVar aggregate classification (germline): Uncertain significance. Review status: criteria provided, multiple submitters, no conflicts (2 of 4 stars). 5 submissions from 5 submitters: Uncertain significance (4). 1 of the submissions does not count toward it. Last evaluated 2026-09-03.

Conditions:
Usher syndrome type 1 (USH1). Also called: RETINITIS PIGMENTOSA AND CONGENITAL DEAFNESS. Identifiers: Orphanet 231169, Orphanet 886, MedGen C1568247, MONDO:0010168, OMIM 276900.
CDH23-related disorder. Also called: CDH23-related condition; CDH23-related disorders.

Allele frequency attached by ClinVar (database versions not stated): TOPMed 0.00002.
gnomAD v4.1: 2 of 1,613,628 alleles (0.00012%); highest among the groups gnomAD compares: Admixed American, 0.0033%; no homozygotes.

Submissions (5):

PreventionGenetics, part of Exact Sciences
Classification: Uncertain significance for CDH23-related condition. Last evaluated: 2026-09-03. Review status: criteria provided, single submitter. Criteria: ACMG Guidelines, 2015. Collection method: clinical testing. Allele origin: germline.
Comment: The CDH23 c.586G>C variant is predicted to result in the amino acid substitution p.Glu196Gln. To our knowledge, this variant has not been reported in the literature. This variant is reported in 0.0058% of alleles in individuals of Latino descent in gnomAD. At this time, the clinical significance of this variant is uncertain due to the absence of conclusive functional and genetic evidence.

Labcorp Genetics (formerly Invitae), Labcorp
Classification: Uncertain significance. Last evaluated: 2021-08-31. Review status: criteria provided, single submitter. Criteria: Invitae Variant Classification Sherloc (09022015). Collection method: clinical testing. Allele origin: germline.
Comment: This sequence change replaces glutamic acid with glutamine at codon 196 of the CDH23 protein (p.Glu196Gln). The glutamic acid residue is highly conserved and there is a small physicochemical difference between glutamic acid and glutamine. This variant is present in population databases (rs753985914, ExAC 0.009%). This variant has not been reported in the literature in individuals affected with CDH23-related conditions. ClinVar contains an entry for this variant (Variation ID: 596373). Algorithms developed to predict the effect of missense changes on protein structure and function are either unavailable or do not agree on the potential impact of this missense change (SIFT: "Deleterious"; PolyPhen-2: "Not Available"; Align-GVGD: "Class C0"). In summary, the available evidence is currently insufficient to determine the role of this variant in disease. Therefore, it has been classified as a Variant of Uncertain Significance.

Blueprint Genetics
Classification: Uncertain significance. Last evaluated: 2019-09-23. Review status: criteria provided, single submitter. Criteria: ACMG Guidelines, 2015. Collection method: clinical testing. Allele origin: germline.

Eurofins Ntd Llc (ga)
Classification: Uncertain significance. Last evaluated: 2018-03-27. Review status: criteria provided, single submitter. Criteria: EGL ClinVar v180209 classification definitions. Collection method: clinical testing. Allele origin: germline. Observed: 2 variant alleles, 2 heterozygotes.

Natera, Inc.
Classification: Uncertain significance for Usher syndrome type 1. Last evaluated: 2019-10-28. Review status: no assertion criteria provided. Collection method: clinical testing. Allele origin: germline. Not counted in ClinVar's aggregate classification.

NM_022124.6(CDH23):c.586G>C (p.Glu196Gln)

Gene: CDH23 (cadherin related 23; plus strand). Cytogenetic location: 10q22.1.
Variant type: single nucleotide variant.
Coding change: c.586G>C on transcript NM_022124.6 (MANE Select); coding-DNA position 586, G replaced by C.
Protein change: p.Glu196Gln; replaces glutamic acid 196 with glutamine.
Molecular consequence: missense variant.
Genome position (GRCh38, 1-based): chr10:71,566,898, G>C. VCF-style: chr10-71566898-G-C. GRCh37 (hg19) VCF-style: chr10-73326655-G-C.
Other names: c.586G>C, p.Glu196Gln (NM_001171930.2, NM_001171931.2, NM_001171932.2 and 1 more transcripts); c.586G>C (NM_022124.5); short protein forms E196Q.
Identifiers: ClinVar variation 596373 (VCV000596373.12), dbSNP rs753985914, ClinGen allele CA5543480.